The following is an entry in ClinVar:

NM_005245.4(FAT1):c.4206C>T (p.Phe1402=)

Gene: FAT1 (FAT atypical cadherin 1; minus strand). Cytogenetic location: 4q35.2.
Variant type: single nucleotide variant.
Coding change: c.4206C>T on transcript NM_005245.4 (MANE Select); coding-DNA position 4206, C replaced by T.
Protein change: p.Phe1402=; no amino-acid change (phenylalanine 1402 retained).
Molecular consequence: synonymous variant.
Genome position (GRCh38, 1-based): chr4:186,633,801, G>A on the plus strand (C>T on the coding strand, the complement: FAT1 is on the minus strand). VCF-style: chr4-186633801-G-A. GRCh37 (hg19) VCF-style: chr4-187554955-G-A.
Other names: c.4206C>T (NM_005245.3).
Identifiers: ClinVar variation 2865117 (VCV002865117.5), dbSNP rs374848932, ClinGen allele CA3166776.

ClinVar aggregate classification (germline): Likely benign. Review status: criteria provided, single submitter (1 of 4 stars). 2 submissions from 2 submitters: Likely benign (1). 1 of the submissions does not count toward it. Last evaluated 2025-11-27.

Conditions:
FAT1-related disorder. Also called: FAT1-related condition.

Allele frequency attached by ClinVar (database versions not stated): gnomAD 0.00003; gnomAD exomes 0.00004; ESP Exome Variant Server 0.00008.
gnomAD v4.1: 59 of 1,613,784 alleles (0.0037%); highest among the groups gnomAD compares: South Asian, 0.0055%; no homozygotes.

Submissions (2):

Labcorp Genetics (formerly Invitae), Labcorp
Classification: Likely benign. Last evaluated: 2025-11-27. Review status: criteria provided, single submitter. Criteria: Invitae Variant Classification Sherloc (09022015). Collection method: clinical testing. Allele origin: germline.

PreventionGenetics, part of Exact Sciences
Classification: Likely benign for FAT1-related condition. Last evaluated: 2022-12-19. Review status: no assertion criteria provided. Collection method: clinical testing. Allele origin: germline. Not counted in ClinVar's aggregate classification.
Comment: This variant is classified as likely benign based on ACMG/AMP sequence variant interpretation guidelines (Richards et al. 2015 PMID: 25741868, with internal and published modifications).